The following is an entry in ClinVar:

NM_001374736.1(DST):c.12903+5A>G

Gene: DST (dystonin; minus strand). Cytogenetic location: 6p12.1.
Variant type: single nucleotide variant.
Coding change: c.12903+5A>G on transcript NM_001374736.1 (MANE Select); 5 bases into the intron after coding-DNA position 12903, A replaced by G.
Molecular consequence: intron variant.
Genome position (GRCh38, 1-based): chr6:56,592,177, T>C on the plus strand (A>G on the coding strand, the complement: DST is on the minus strand). VCF-style: chr6-56592177-T-C. GRCh37 (hg19) VCF-style: chr6-56456975-T-C.
Other names: c.6546+5A>G (NM_001144769.5); c.12903+5A>G (NM_001374722.1); c.12930+5A>G (NM_001374734.1); c.6132+5A>G (NM_001144770.2); c.6012+5A>G (NM_001374730.1, NM_001386100.1, NM_183380.4); c.12270+5A>G (NM_001374729.1); c.5034+5A>G (NM_015548.5).
Identifiers: ClinVar variation 2333558 (VCV002333558.2), dbSNP rs2536122265, ClinGen allele CA2580075569.

ClinVar aggregate classification (germline): Uncertain significance (1 of 4 stars; one submission).

Conditions:
Inborn genetic diseases. Identifiers: MedGen C0950123, MeSH D030342.

Submission:

Ambry Genetics
Classification: Uncertain significance for Inborn genetic diseases. Last evaluated: 2022-12-19. Review status: criteria provided, single submitter. Criteria: Ambry Variant Classification Scheme 2023. Collection method: clinical testing. Allele origin: germline.
Comment: The c.6546+5A>G intronic alteration consists of a A to G substitution nucleotides after coding exon 43 in the DST gene. Based on insufficient or conflicting evidence, the clinical significance of this alteration remains unclear.